The following is an entry in ClinVar:

NM_006767.4(LZTR1):c.1066G>A (p.Val356Ile)

Gene: LZTR1 (leucine zipper like post translational regulator 1; plus strand). Cytogenetic location: 22q11.21.
Variant type: single nucleotide variant.
Coding change: c.1066G>A on transcript NM_006767.4 (MANE Select); coding-DNA position 1066, G replaced by A.
Protein change: p.Val356Ile; replaces valine 356 with isoleucine.
Molecular consequence: missense variant.
Genome position (GRCh38, 1-based): chr22:20,992,286, G>A. VCF-style: chr22-20992286-G-A. GRCh37 (hg19) VCF-style: chr22-21346575-G-A.
Other names: short protein forms V356I.
Identifiers: ClinVar variation 3541513 (VCV003541513.1).
Genomic context (GRCh38, chr22:20,992,286, plus strand): 5'-GAAGTGCCCGAGCGAGCCTGTGCTTCCGAGGAGGTGCCCACCCTGACCTATGAGGAGCGG[G>A]TTGGCTTCAAGAAGTCCCGAGATGTGTTTGGCCTGGACTTTGGCACCACCTCAGCCAAGC-3'
Protein context (NP_006758.2, residues 346-366): EVPTLTYEER[Val356Ile]GFKKSRDVFG

ClinVar aggregate classification (germline): Uncertain significance (1 of 4 stars; one submission).

Conditions:
Hereditary cancer-predisposing syndrome. Also called: Hereditary Cancer Syndrome; Hereditary neoplastic syndrome; Tumor predisposition; Neoplastic Syndromes, Hereditary. Identifiers: Orphanet 140162, MedGen C0027672, MeSH D009386, MONDO:0015356.
Cardiovascular phenotype. Identifiers: MedGen CN230736.

gnomAD v4.1: 4 of 1,613,902 alleles (0.00025%); highest among the groups gnomAD compares: African/African-American, 0.0053%; no homozygotes.

Submission:

Ambry Genetics
Classification: Uncertain significance for Cardiovascular phenotype; Hereditary cancer-predisposing syndrome. Last evaluated: 2024-11-28. Review status: criteria provided, single submitter. Criteria: Ambry Variant Classification Scheme 2023. Collection method: clinical testing. Allele origin: germline.
Comment: The p.V356I variant (also known as c.1066G>A), located in coding exon 10 of the LZTR1 gene, results from a G to A substitution at nucleotide position 1066. The valine at codon 356 is replaced by isoleucine, an amino acid with highly similar properties. This amino acid position is conserved. In addition, this alteration is predicted to be tolerated by in silico analysis. Based on the available evidence, the clinical significance of this variant remains unclear.